The following is an entry in ClinVar:

ClinVar aggregate classification (germline): Uncertain significance. Review status: criteria provided, multiple submitters, no conflicts (2 of 4 stars). 3 submissions from 3 submitters: Uncertain significance (3). Last evaluated 2024-07-31.

Conditions:
FH-related disorder. Also called: FH-related disorders; FH-related condition.
Hereditary cancer-predisposing syndrome. Also called: Tumor predisposition; Hereditary neoplastic syndrome; Neoplastic Syndromes, Hereditary; Hereditary Cancer Syndrome. Identifiers: Orphanet 140162, MedGen C0027672, MeSH D009386, MONDO:0015356.

Submissions (3):

Ambry Genetics
Classification: Uncertain significance for Hereditary cancer-predisposing syndrome. Last evaluated: 2024-07-31. Review status: criteria provided, single submitter. Criteria: Ambry Variant Classification Scheme 2023. Collection method: clinical testing. Allele origin: germline.
Comment: The p.A32T variant (also known as c.94G>A), located in coding exon 1 of the FH gene, results from a G to A substitution at nucleotide position 94. The alanine at codon 32 is replaced by threonine, an amino acid with similar properties. This amino acid position is not well conserved in available vertebrate species. In addition, the in silico prediction for this alteration is inconclusive. Based on the available evidence, the clinical significance of this variant remains unclear.

Labcorp Genetics (formerly Invitae), Labcorp
Classification: Uncertain significance. Last evaluated: 2022-12-20. Review status: criteria provided, single submitter. Criteria: Invitae Variant Classification Sherloc (09022015). Collection method: clinical testing. Allele origin: germline.
Comment: In summary, the available evidence is currently insufficient to determine the role of this variant in disease. Therefore, it has been classified as a Variant of Uncertain Significance. Advanced modeling of protein sequence and biophysical properties (such as structural, functional, and spatial information, amino acid conservation, physicochemical variation, residue mobility, and thermodynamic stability) performed at Invitae indicates that this missense variant is not expected to disrupt FH protein function. ClinVar contains an entry for this variant (Variation ID: 823298). This variant has not been reported in the literature in individuals affected with FH-related conditions. The frequency data for this variant in the population databases is considered unreliable, as metrics indicate poor data quality at this position in the gnomAD database. This sequence change replaces alanine, which is neutral and non-polar, with threonine, which is neutral and polar, at codon 32 of the FH protein (p.Ala32Thr).

PreventionGenetics, part of Exact Sciences
Classification: Uncertain significance for FH-related condition. Last evaluated: 2022-12-12. Review status: criteria provided, single submitter. Criteria: ACMG Guidelines, 2015. Collection method: clinical testing. Allele origin: germline.
Comment: The FH c.94G>A variant is predicted to result in the amino acid substitution p.Ala32Thr. To our knowledge, this variant has not been reported in the literature. This variant is reported in 0.0039% of alleles in individuals of European (Non-Finnish) descent in gnomAD and is reported as uncertain significance in ClinVar. At this time, the clinical significance of this variant is uncertain due to the absence of conclusive functional and genetic evidence.

NM_000143.4(FH):c.94G>A (p.Ala32Thr)

Gene: FH (fumarate hydratase; minus strand). Cytogenetic location: 1q43.
Variant type: single nucleotide variant.
Coding change: c.94G>A on transcript NM_000143.4 (MANE Select); coding-DNA position 94, G replaced by A.
Protein change: p.Ala32Thr; replaces alanine 32 with threonine.
Molecular consequence: missense variant.
Genome position (GRCh38, 1-based): chr1:241,519,629, C>T on the plus strand (G>A on the coding strand, the complement: FH is on the minus strand). VCF-style: chr1-241519629-C-T. GRCh37 (hg19) VCF-style: chr1-241682929-C-T.
Other names: short protein forms A32T.
Identifiers: ClinVar variation 823298 (VCV000823298.9), dbSNP rs1371664717, ClinGen allele CA345442725.